The following is an entry in ClinVar:

ClinVar aggregate classification (germline): Uncertain significance. Review status: criteria provided, multiple submitters, no conflicts (2 of 4 stars). 3 submissions from 3 submitters: Uncertain significance (2). 1 of the submissions does not count toward it. Last evaluated 2021-08-28.

Conditions:
Cenani-Lenz syndactyly syndrome. Also called: CENANI SYNDACTYLISM; SYNDACTYLY, TYPE VII. Identifiers: Orphanet 3258, MedGen C1859309, MONDO:0008931, OMIM 212780.
Sclerosteosis 2 (SOST2). Identifiers: Orphanet 3152, MedGen C3280402, MONDO:0013679, OMIM 614305.
Congenital myasthenic syndrome 17. Identifiers: Orphanet 590, MedGen C4225377, MONDO:0014578, OMIM 616304.

Allele frequency attached by ClinVar (database versions not stated): gnomAD exomes 0.00001 and below 0.00001; ExAC 0.00001; TOPMed 0.00002.

Submissions (3):

Labcorp Genetics (formerly Invitae), Labcorp
Classification: Uncertain significance for Cenani-Lenz syndactyly syndrome; Sclerosteosis 2; Congenital myasthenic syndrome 17. Last evaluated: 2021-08-28. Review status: criteria provided, single submitter. Criteria: Invitae Variant Classification Sherloc (09022015). Collection method: clinical testing. Allele origin: germline.
Comment: This sequence change replaces arginine with histidine at codon 1277 of the LRP4 protein (p.Arg1277His). The arginine residue is highly conserved and there is a small physicochemical difference between arginine and histidine. This variant is present in population databases (rs746136135, ExAC 0.006%). This missense change has been observed in individual(s) with clinical features of congenital myasthenic syndrome (PMID: 24234652). ClinVar contains an entry for this variant (Variation ID: 189821). Algorithms developed to predict the effect of missense changes on protein structure and function (SIFT, PolyPhen-2, Align-GVGD) all suggest that this variant is likely to be disruptive. Experimental studies have shown that this missense change affects LRP4 function (PMID: 24234652). In summary, the available evidence is currently insufficient to determine the role of this variant in disease. Therefore, it has been classified as a Variant of Uncertain Significance.

CENTOGENE GmbH and LLC - Guiding Precision Medicine
Classification: Uncertain significance for Congenital myasthenic syndrome 17. Last evaluated: 2021-04-14. Review status: criteria provided, single submitter. Criteria: ACMG Guidelines, 2015. Collection method: clinical testing. Allele origin: germline. Affected: yes.

OMIM
Classification: Pathogenic for MYASTHENIC SYNDROME, CONGENITAL, 17 (1 family). Last evaluated: 2014-04-01. Review status: no assertion criteria provided. Collection method: literature only. Allele origin: germline. Not counted in ClinVar's aggregate classification.

Literature cited by the submitters: PubMed 24234652 (cited by Labcorp Genetics (formerly Invitae), Labcorp and OMIM).

NM_002334.4(LRP4):c.3830G>A (p.Arg1277His)

Gene: LRP4 (LDL receptor related protein 4; minus strand). Cytogenetic location: 11p11.2.
Variant type: single nucleotide variant.
Coding change: c.3830G>A on transcript NM_002334.4 (MANE Select); coding-DNA position 3830, G replaced by A.
Protein change: p.Arg1277His; replaces arginine 1277 with histidine.
Molecular consequence: missense variant.
Genome position (GRCh38, 1-based): chr11:46,875,551, C>T on the plus strand (G>A on the coding strand, the complement: LRP4 is on the minus strand). VCF-style: chr11-46875551-C-T. GRCh37 (hg19) VCF-style: chr11-46897102-C-T.
Other names: short protein forms R1277H.
Identifiers: ClinVar variation 189821 (VCV000189821.8), dbSNP rs746136135, ClinGen allele CA199516.